The following is an entry in ClinVar:

NM_016333.4(SRRM2):c.4562C>T (p.Ser1521Leu)

Gene: SRRM2 (serine/arginine repetitive matrix 2; plus strand). Cytogenetic location: 16p13.3.
Variant type: single nucleotide variant.
Coding change: c.4562C>T on transcript NM_016333.4 (MANE Select); coding-DNA position 4562, C replaced by T.
Protein change: p.Ser1521Leu; replaces serine 1521 with leucine.
Molecular consequence: missense variant.
Genome position (GRCh38, 1-based): chr16:2,765,090, C>T. VCF-style: chr16-2765090-C-T. GRCh37 (hg19) VCF-style: chr16-2815091-C-T.
Other names: short protein forms S1521L.
Identifiers: ClinVar variation 5040652 (VCV005040652.1).

ClinVar aggregate classification (germline): Likely benign (1 of 4 stars; one submission).

gnomAD v4.1: 3 of 1,614,064 alleles (0.00019%); highest among the groups gnomAD compares: African/African-American, 0.0027%; no homozygotes.

Submission:

CeGaT Center for Human Genetics Tuebingen
Classification: Likely benign. Last evaluated: 2026-08-01. Review status: criteria provided, single submitter. Criteria: CeGaT Center For Human Genetics Tuebingen Variant Classification Criteria Version 2. Collection method: clinical testing. Allele origin: germline. Affected: yes. Observed: 1 variant allele.
Comment: SRRM2: BP4